The following is an entry in ClinVar:

ClinVar aggregate classification (germline): Uncertain significance (1 of 4 stars; one submission).

Submission:

Labcorp Genetics (formerly Invitae), Labcorp
Classification: Uncertain significance. Last evaluated: 2021-10-10. Review status: criteria provided, single submitter. Criteria: Invitae Variant Classification Sherloc (09022015). Collection method: clinical testing. Allele origin: germline.
Comment: This sequence change replaces alanine with glutamic acid at codon 167 of the TGDS protein (p.Ala167Glu). The alanine residue is moderately conserved and there is a moderate physicochemical difference between alanine and glutamic acid. In summary, the available evidence is currently insufficient to determine the role of this variant in disease. Therefore, it has been classified as a Variant of Uncertain Significance. Algorithms developed to predict the effect of missense changes on protein structure and function are either unavailable or do not agree on the potential impact of this missense change (SIFT: "Deleterious"; PolyPhen-2: "Probably Damaging"; Align-GVGD: "Class C0"). This variant has not been reported in the literature in individuals affected with TGDS-related conditions. This variant is not present in population databases (ExAC no frequency).

NM_014305.4(TGDS):c.500C>A (p.Ala167Glu)

Gene: TGDS (TDP-glucose 4,6-dehydratase; minus strand). Cytogenetic location: 13q32.1.
Variant type: single nucleotide variant.
Coding change: c.500C>A on transcript NM_014305.4 (MANE Select); coding-DNA position 500, C replaced by A.
Protein change: p.Ala167Glu; replaces alanine 167 with glutamic acid.
Molecular consequence: missense variant. On other transcripts: non-coding transcript variant (2).
Genome position (GRCh38, 1-based): chr13:94,581,146, G>T on the plus strand (C>A on the coding strand, the complement: TGDS is on the minus strand). VCF-style: chr13-94581146-G-T. GRCh37 (hg19) VCF-style: chr13-95233400-G-T.
Other names: c.404C>A, p.Ala135Glu (NM_001304430.2); short protein forms A135E, A167E.
Identifiers: ClinVar variation 1480501 (VCV001480501.6), dbSNP rs2139521705, ClinGen allele CA388395145.